The following is an entry in ClinVar:

ClinVar aggregate classification (germline): Uncertain significance. Review status: criteria provided, multiple submitters, no conflicts (2 of 4 stars). 2 submissions from 2 submitters: Uncertain significance (2). Last evaluated 2026-07-07.

Conditions:
Hereditary cancer-predisposing syndrome. Also called: Neoplastic Syndromes, Hereditary; Hereditary Cancer Syndrome; Hereditary neoplastic syndrome; Tumor predisposition. Identifiers: Orphanet 140162, MedGen C0027672, MeSH D009386, MONDO:0015356.
Multiple endocrine neoplasia, type 2 (MEN2). Identifiers: Orphanet 653, MedGen C4048306, MONDO:0019003. Disease mechanism: gain of function.

Allele frequency attached by ClinVar (database versions not stated): gnomAD 0.00001; 1000 Genomes Project 0.00020; 1000 Genomes Project 30x 0.00031.
gnomAD v4.1: 3 of 1,614,192 alleles (0.00019%); highest among the groups gnomAD compares: Admixed American, 0.005%; no homozygotes.

Submissions (2):

Ambry Genetics
Classification: Uncertain significance for Hereditary cancer-predisposing syndrome. Last evaluated: 2026-07-07. Review status: criteria provided, single submitter. Criteria: Ambry Variant Classification Scheme 2023. Collection method: clinical testing. Allele origin: germline.
Comment: The p.D1066H variant (also known as c.3196G>C), located in coding exon 20 of the RET gene, results from a G to C substitution at nucleotide position 3196. The aspartic acid at codon 1066 is replaced by histidine, an amino acid with similar properties. This amino acid position is conserved. In addition, the in silico prediction for this alteration is inconclusive. Based on the available evidence, the clinical significance of this variant remains unclear.

Labcorp Genetics (formerly Invitae), Labcorp
Classification: Uncertain significance for Multiple endocrine neoplasia, type 2. Last evaluated: 2024-03-14. Review status: criteria provided, single submitter. Criteria: Invitae Variant Classification Sherloc (09022015). Collection method: clinical testing. Allele origin: germline.
Comment: This sequence change replaces aspartic acid, which is acidic and polar, with histidine, which is basic and polar, at codon 1066 of the RET protein (p.Asp1066His). This variant is present in population databases (rs180700967, gnomAD 0.003%). This variant has not been reported in the literature in individuals affected with RET-related conditions. ClinVar contains an entry for this variant (Variation ID: 573638). An algorithm developed to predict the effect of missense changes on protein structure and function (PolyPhen-2) suggests that this variant is likely to be disruptive. In summary, the available evidence is currently insufficient to determine the role of this variant in disease. Therefore, it has been classified as a Variant of Uncertain Significance.

NM_020975.6(RET):c.3196G>C (p.Asp1066His)

Gene: RET (ret proto-oncogene; plus strand). Cytogenetic location: 10q11.21.
Variant type: single nucleotide variant.
Coding change: c.3196G>C on transcript NM_020975.6 (MANE Select); coding-DNA position 3196, G replaced by C.
Protein change: p.Asp1066His; replaces aspartic acid 1066 with histidine.
Molecular consequence: missense variant.
Genome position (GRCh38, 1-based): chr10:43,128,120, G>C. VCF-style: chr10-43128120-G-C. GRCh37 (hg19) VCF-style: chr10-43623568-G-C.
Other names: c.3196G>C (LRG_518t1); short protein forms D1066H.
Identifiers: ClinVar variation 573638 (VCV000573638.9), dbSNP rs180700967, ClinGen allele CA054749.